The following is an entry in ClinVar:

NM_003072.5(SMARCA4):c.4366C>T (p.Pro1456Ser)

Gene: SMARCA4 (SWI/SNF related BAF chromatin remodeling complex subunit ATPase 4; plus strand). Cytogenetic location: 19p13.2.
Variant type: single nucleotide variant.
Coding change: c.4366C>T on transcript NM_003072.5 (MANE Select); coding-DNA position 4366, C replaced by T.
Protein change: p.Pro1456Ser; replaces proline 1456 with serine.
Molecular consequence: missense variant. On other transcripts: non-coding transcript variant (1).
Genome position (GRCh38, 1-based): chr19:11,041,502, C>T. VCF-style: chr19-11041502-C-T. GRCh37 (hg19) VCF-style: chr19-11152178-C-T.
Other names: c.4366C>T, p.Pro1456Ser (NM_001128844.3); c.4276C>T, p.Pro1426Ser (NM_001128845.2, NM_001128846.2); c.4267C>T, p.Pro1423Ser (NM_001128847.4, NM_001128848.2, NM_001374457.1); c.4462C>T, p.Pro1488Ser (NM_001128849.3, NM_001387283.1); short protein forms P1423S, P1426S, P1488S, P1456S.
Identifiers: ClinVar variation 1461626 (VCV001461626.8), dbSNP rs2146821386, ClinGen allele CA404074012.

ClinVar aggregate classification (germline): Uncertain significance (1 of 4 stars; one submission).

Conditions:
Rhabdoid tumor predisposition syndrome 2 (RTPS2). Identifiers: Orphanet 231108, Orphanet 69077, MedGen C2750074, MONDO:0013224, OMIM 613325.

Allele frequency attached by ClinVar (database versions not stated): gnomAD exomes below 0.00001.
gnomAD v4.1: 1 of 1,613,924 alleles (0.000062%); highest among the groups gnomAD compares: Non-Finnish European, 0.000085%; no homozygotes.

Submission:

Labcorp Genetics (formerly Invitae), Labcorp
Classification: Uncertain significance for Rhabdoid tumor predisposition syndrome 2. Last evaluated: 2020-11-06. Review status: criteria provided, single submitter. Criteria: Invitae Variant Classification Sherloc (09022015). Collection method: clinical testing. Allele origin: germline.
Comment: This sequence change replaces proline with serine at codon 1488 of the SMARCA4 protein (p.Pro1488Ser). The proline residue is highly conserved and there is a moderate physicochemical difference between proline and serine. This variant is not present in population databases (ExAC no frequency). This variant has not been reported in the literature in individuals with SMARCA4-related conditions. Algorithms developed to predict the effect of missense changes on protein structure and function are either unavailable or do not agree on the potential impact of this missense change (SIFT: "Deleterious"; PolyPhen-2: "Benign"; Align-GVGD: "Class C65"). In summary, the available evidence is currently insufficient to determine the role of this variant in disease. Therefore, it has been classified as a Variant of Uncertain Significance.